The following is an entry in ClinVar:

ClinVar aggregate classification (germline): Uncertain significance. Review status: criteria provided, multiple submitters, no conflicts (2 of 4 stars). 3 submissions from 3 submitters: Uncertain significance (3). Last evaluated 2025-10-16.

Conditions:
Hereditary pheochromocytoma and paraganglioma. Also called: Hereditary Paraganglioma-Pheochromocytoma Syndromes; Hereditary paragangliomas and pheochromocytomas; Hereditary pheochromocytoma-paraganglioma. Identifiers: Orphanet 29072, MedGen C4274332, MONDO:0017366.
Hereditary cancer-predisposing syndrome. Also called: Neoplastic Syndromes, Hereditary; Hereditary Cancer Syndrome; Tumor predisposition; Hereditary neoplastic syndrome. Identifiers: Orphanet 140162, MedGen C0027672, MeSH D009386, MONDO:0015356.

Allele frequency attached by ClinVar (database versions not stated): gnomAD 0.00001.
gnomAD v4.1: 2 of 1,538,266 alleles (0.00013%); highest among the groups gnomAD compares: Non-Finnish European, 0.00017%; no homozygotes.

Submissions (3):

Labcorp Genetics (formerly Invitae), Labcorp
Classification: Uncertain significance for Hereditary pheochromocytoma and paraganglioma. Last evaluated: 2025-10-16. Review status: criteria provided, single submitter. Criteria: Invitae Variant Classification Sherloc (09022015). Collection method: clinical testing. Allele origin: germline.
Comment: This sequence change replaces proline, which is neutral and non-polar, with arginine, which is basic and polar, at codon 24 of the TMEM127 protein (p.Pro24Arg). This variant is present in population databases (no rsID available, gnomAD 0.007%). This variant has not been reported in the literature in individuals affected with TMEM127-related conditions. ClinVar contains an entry for this variant (Variation ID: 532522). Experimental studies and prediction algorithms are not available or were not evaluated, and the functional significance of this variant is currently unknown. In summary, the available evidence is currently insufficient to determine the role of this variant in disease. Therefore, it has been classified as a Variant of Uncertain Significance.

Ambry Genetics
Classification: Uncertain significance for Hereditary cancer-predisposing syndrome. Last evaluated: 2025-05-15. Review status: criteria provided, single submitter. Criteria: Ambry Variant Classification Scheme 2023. Collection method: clinical testing. Allele origin: germline.
Comment: The p.P24R variant (also known as c.71C>G), located in coding exon 1 of the TMEM127 gene, results from a C to G substitution at nucleotide position 71. The proline at codon 24 is replaced by arginine, an amino acid with dissimilar properties. This amino acid position is highly conserved in available vertebrate species. In addition, this alteration is predicted to be deleterious by in silico analysis. Since supporting evidence is limited at this time, the clinical significance of this alteration remains unclear.

GeneDx
Classification: Uncertain significance. Last evaluated: 2025-03-26. Review status: criteria provided, single submitter. Criteria: GeneDx Variant Classification Process June 2021. Collection method: clinical testing. Allele origin: germline. Affected: yes.
Comment: In silico analysis supports that this missense variant has a deleterious effect on protein structure/function; Has not been previously published as pathogenic or benign to our knowledge

NM_017849.4(TMEM127):c.71C>G (p.Pro24Arg)

Genes: TMEM127 (transmembrane protein 127; minus strand), LOC129934333 (ATAC-STARR-seq lymphoblastoid silent region 11759; plus strand). Cytogenetic location: 2q11.2.
Variant type: single nucleotide variant.
Coding change: c.71C>G on transcript NM_017849.4 (MANE Select); coding-DNA position 71, C replaced by G.
Protein change: p.Pro24Arg; replaces proline 24 with arginine.
Molecular consequence: missense variant.
Genome position (GRCh38, 1-based): chr2:96,265,311, G>C on the plus strand (C>G on the coding strand, the complement: TMEM127 is on the minus strand). VCF-style: chr2-96265311-G-C. GRCh37 (hg19) VCF-style: chr2-96931049-G-C.
Other names: c.71C>G, p.Pro24Arg (NM_001193304.3); short protein forms P24R.
Identifiers: ClinVar variation 532522 (VCV000532522.15), dbSNP rs1231130879, ClinGen allele CA347656173.
Genomic context (GRCh38, chr2:96,265,311, plus strand): 5'-AGCGCCGTGATAGACAGGGCGCCAGGCAGGGCCGAGGCCAGGCTACGCTCCGGCTGCTTG[G>C]GCAGAGCGCTGCCTCCCGGGCTCCTCCGCCGGCGCCCGCCGGGCAGCCCTGCGCCTCCGG-3'
Protein context (NP_060319.1, residues 14-34): RRRSPGGSAL[Pro24Arg]KQPERSLASA